The following is an entry in ClinVar:

ClinVar aggregate classification (germline): Uncertain significance (1 of 4 stars; one submission).

Submission:

GeneDx
Classification: Uncertain significance. Last evaluated: 2024-10-25. Review status: criteria provided, single submitter. Criteria: GeneDx Variant Classification Process June 2021. Collection method: clinical testing. Allele origin: germline. Affected: yes.
Comment: Not observed at significant frequency in large population cohorts (gnomAD); In silico analysis indicates that this missense variant does not alter protein structure/function; Has not been previously published as pathogenic or benign to our knowledge

NM_031407.7(HUWE1):c.7336C>A (p.Gln2446Lys)

Genes: HUWE1 (HECT, UBA and WWE domain containing E3 ubiquitin protein ligase 1; minus strand), LOC126863262 (MED14-independent group 3 enhancer GRCh37_chrX:53588722-53589921; plus strand). Cytogenetic location: Xp11.22.
Variant type: single nucleotide variant.
Coding change: c.7336C>A on transcript NM_031407.7 (MANE Select); coding-DNA position 7336, C replaced by A.
Protein change: p.Gln2446Lys; replaces glutamine 2446 with lysine.
Molecular consequence: missense variant.
Genome position (GRCh38, 1-based): chrX:53,562,113, G>T on the plus strand (C>A on the coding strand, the complement: HUWE1 is on the minus strand). VCF-style: chrX-53562113-G-T. GRCh37 (hg19) VCF-style: chrX-53589074-G-T.
Other names: short protein forms Q2446K.
Identifiers: ClinVar variation 3893562 (VCV003893562.1).